The following is an entry in ClinVar:

NM_002470.4(MYH3):c.5536C>T (p.Arg1846Trp)

Gene: MYH3 (myosin heavy chain 3; minus strand). Cytogenetic location: 17p13.1.
Variant type: single nucleotide variant.
Coding change: c.5536C>T on transcript NM_002470.4 (MANE Select); coding-DNA position 5536, C replaced by T.
Protein change: p.Arg1846Trp; replaces arginine 1846 with tryptophan.
Molecular consequence: missense variant.
Genome position (GRCh38, 1-based): chr17:10,630,118, G>A on the plus strand (C>T on the coding strand, the complement: MYH3 is on the minus strand). VCF-style: chr17-10630118-G-A. GRCh37 (hg19) VCF-style: chr17-10533435-G-A.
Other names: short protein forms R1846W.
Identifiers: ClinVar variation 2040397 (VCV002040397.7), dbSNP rs757418855, ClinGen allele CA8391898.

ClinVar aggregate classification (germline): Uncertain significance. Review status: criteria provided, multiple submitters, no conflicts (2 of 4 stars). 2 submissions from 2 submitters: Uncertain significance (2). Last evaluated 2025-09-28.

Conditions:
Inborn genetic diseases. Identifiers: MedGen C0950123, MeSH D030342.

Allele frequency attached by ClinVar (database versions not stated): gnomAD exomes 0.00002; ExAC 0.00003; gnomAD 0.00003; TOPMed 0.00005.
gnomAD v4.1: 31 of 1,613,984 alleles (0.0019%); highest among the groups gnomAD compares: Admixed American, 0.018%; 1 homozygote.

Submissions (2):

Labcorp Genetics (formerly Invitae), Labcorp
Classification: Uncertain significance. Last evaluated: 2025-09-28. Review status: criteria provided, single submitter. Criteria: Invitae Variant Classification Sherloc (09022015). Collection method: clinical testing. Allele origin: germline.
Comment: This sequence change replaces arginine, which is basic and polar, with tryptophan, which is neutral and slightly polar, at codon 1846 of the MYH3 protein (p.Arg1846Trp). This variant is present in population databases (rs757418855, gnomAD 0.01%). This variant has not been reported in the literature in individuals affected with MYH3-related conditions. ClinVar contains an entry for this variant (Variation ID: 2040397). Invitae Evidence Modeling of protein sequence and biophysical properties (such as structural, functional, and spatial information, amino acid conservation, physicochemical variation, residue mobility, and thermodynamic stability) indicates that this missense variant is not expected to disrupt MYH3 protein function with a negative predictive value of 95%. In summary, the available evidence is currently insufficient to determine the role of this variant in disease. Therefore, it has been classified as a Variant of Uncertain Significance.

Ambry Genetics
Classification: Uncertain significance for Inborn genetic diseases. Last evaluated: 2024-07-23. Review status: criteria provided, single submitter. Criteria: Ambry Variant Classification Scheme 2023. Collection method: clinical testing. Allele origin: germline.
Comment: The c.5536C>T (p.R1846W) alteration is located in exon 38 (coding exon 36) of the MYH3 gene. This alteration results from a C to T substitution at nucleotide position 5536, causing the arginine (R) at amino acid position 1846 to be replaced by a tryptophan (W). Based on data from gnomAD, the T allele has an overall frequency of 0.003% (8/251494) total alleles studied. The highest observed frequency was 0.017% (6/34592) of Latino alleles. This amino acid position is well conserved in available vertebrate species. The in silico prediction for this alteration is inconclusive. Based on insufficient or conflicting evidence, the clinical significance of this alteration remains unclear.